The following is an entry in ClinVar:

NM_148960.3(CLDN19):c.277G>A (p.Val93Met)

Gene: CLDN19 (claudin 19; minus strand). Cytogenetic location: 1p34.2.
Variant type: single nucleotide variant.
Coding change: c.277G>A on transcript NM_148960.3 (MANE Select); coding-DNA position 277, G replaced by A.
Protein change: p.Val93Met; replaces valine 93 with methionine.
Molecular consequence: missense variant.
Genome position (GRCh38, 1-based): chr1:42,738,532, C>T on the plus strand (G>A on the coding strand, the complement: CLDN19 is on the minus strand). VCF-style: chr1-42738532-C-T. GRCh37 (hg19) VCF-style: chr1-43204203-C-T.
Other names: p.Val93Met; c.277G>A, p.Val93Met (NM_001123395.2, NM_001185117.2); short protein forms V93M.
Identifiers: ClinVar variation 727573 (VCV000727573.14), dbSNP rs34374110, ClinGen allele CA801412.
Genomic context (GRCh38, chr1:42,738,532, plus strand): 5'-TGGGGTTGCTGTCTCCCACCCGCGTACACTTCATGCCAACTACGCTGAGGACCATGGCCA[C>T]GAAGCCCAGGAGCACGGCCACCACCATCAGGGCCCGCGCTGATTGGATGTGACCTAGGGT-3'
Protein context (NP_683763.2, residues 83-103): LMVVAVLLGF[Val93Met]AMVLSVVGMK

ClinVar aggregate classification (germline): Conflicting classifications of pathogenicity. Review status: criteria provided, conflicting classifications (1 of 4 stars). 3 submissions from 3 submitters: Uncertain significance (1); Likely benign (2). Last evaluated 2026-04-01.

Allele frequency attached by ClinVar (database versions not stated): gnomAD exomes 0.00006 and 0.00018; ExAC 0.00019; ESP Exome Variant Server 0.00046; TOPMed 0.00057; gnomAD 0.00063; 1000 Genomes Project 30x 0.00125; 1000 Genomes Project 0.00140.
gnomAD v4.1: 196 of 1,613,964 alleles (0.012%); highest among the groups gnomAD compares: African/African-American, 0.22%; no homozygotes.

Submissions (3):

GeneDx
Classification: Uncertain significance. Last evaluated: 2026-04-01. Review status: criteria provided, single submitter. Criteria: GeneDx Variant Classification Process June 2021. Collection method: clinical testing. Allele origin: germline.
Comment: In silico analysis suggests that this missense variant does not alter protein structure/function; Has not been previously published as pathogenic or benign to our knowledge

Labcorp Genetics (formerly Invitae), Labcorp
Classification: Likely benign. Last evaluated: 2026-01-18. Review status: criteria provided, single submitter. Criteria: Invitae Variant Classification Sherloc (09022015). Collection method: clinical testing. Allele origin: germline.

Mayo Clinic Laboratories, Mayo Clinic
Classification: Likely benign. Last evaluated: 2025-01-23. Review status: criteria provided, single submitter. Criteria: ACMG Guidelines, 2015. Collection method: clinical testing. Allele origin: germline. Observed: 1 variant allele.
Comment: BS1, BP4